The following is an entry in ClinVar:

ClinVar aggregate classification (germline): Uncertain significance. Review status: criteria provided, multiple submitters, no conflicts (2 of 4 stars). 2 submissions from 2 submitters: Uncertain significance (2). Last evaluated 2022-03-28.

Conditions:
Desmosterolosis. Identifiers: Orphanet 35107, MedGen C1865596, MONDO:0011217, OMIM 602398.

Allele frequency attached by ClinVar (database versions not stated): gnomAD 0.00001; ExAC 0.00002; gnomAD exomes 0.00002 and 0.00003; TOPMed 0.00002.
gnomAD v4.1: 47 of 1,614,110 alleles (0.0029%); highest among the groups gnomAD compares: East Asian, 0.016%; no homozygotes.

Submissions (2):

Revvity Omics, Revvity
Classification: Uncertain significance for Desmosterolosis. Last evaluated: 2022-03-28. Review status: criteria provided, single submitter. Criteria: ACMG Guidelines, 2015. Collection method: clinical testing. Allele origin: germline.

Labcorp Genetics (formerly Invitae), Labcorp
Classification: Uncertain significance. Last evaluated: 2021-09-06. Review status: criteria provided, single submitter. Criteria: Invitae Variant Classification Sherloc (09022015). Collection method: clinical testing. Allele origin: germline.
Comment: In summary, the available evidence is currently insufficient to determine the role of this variant in disease. Therefore, it has been classified as a Variant of Uncertain Significance. Algorithms developed to predict the effect of missense changes on protein structure and function are either unavailable or do not agree on the potential impact of this missense change (SIFT: "Tolerated"; PolyPhen-2: "Possibly Damaging"; Align-GVGD: "Class C0"). This variant has not been reported in the literature in individuals affected with DHCR24-related conditions. This variant is present in population databases (rs747327620, ExAC 0.02%). This sequence change replaces arginine with histidine at codon 444 of the DHCR24 protein (p.Arg444His). The arginine residue is moderately conserved and there is a small physicochemical difference between arginine and histidine.

NM_014762.4(DHCR24):c.1331G>A (p.Arg444His)

Gene: DHCR24 (24-dehydrocholesterol reductase; minus strand). Cytogenetic location: 1p32.3.
Variant type: single nucleotide variant.
Coding change: c.1331G>A on transcript NM_014762.4 (MANE Select); coding-DNA position 1331, G replaced by A.
Protein change: p.Arg444His; replaces arginine 444 with histidine.
Molecular consequence: missense variant.
Genome position (GRCh38, 1-based): chr1:54,853,500, C>T on the plus strand (G>A on the coding strand, the complement: DHCR24 is on the minus strand). VCF-style: chr1-54853500-C-T. GRCh37 (hg19) VCF-style: chr1-55319173-C-T.
Other names: short protein forms R444H.
Identifiers: ClinVar variation 1439868 (VCV001439868.6), dbSNP rs747327620, ClinGen allele CA870584.